The following is an entry in ClinVar:

ClinVar aggregate classification (germline): Pathogenic (1 of 4 stars; one submission).

Conditions:
Multiple acyl-CoA dehydrogenase deficiency (MADD). Also called: Glutaric aciduria, type 2; Glutaric Acidemia type 2; Glutaric acidemia type II; GA 2; ETHYLMALONIC-ADIPICACIDURIA; GA II. Identifiers: Orphanet 26791, MedGen C0268596, MONDO:0009282, OMIM 231680.

Submission:

Labcorp Genetics (formerly Invitae), Labcorp
Classification: Pathogenic for Multiple acyl-CoA dehydrogenase deficiency. Last evaluated: 2022-11-22. Review status: criteria provided, single submitter. Criteria: Invitae Variant Classification Sherloc (09022015). Collection method: clinical testing. Allele origin: germline.
Comment: For these reasons, this variant has been classified as Pathogenic. Studies have shown that disruption of this splice site results in retention of intron 10 and introduces a premature termination codon (PMID: 30424791). The resulting mRNA is expected to undergo nonsense-mediated decay. ClinVar contains an entry for this variant (Variation ID: 1072316). Disruption of this splice site has been observed in individual(s) with multiple acyl-CoA dehydrogenase deficiency (PMID: 30424791). This variant is not present in population databases (gnomAD no frequency). This sequence change affects a donor splice site in intron 10 of the ETFDH gene. RNA analysis indicates that disruption of this splice site induces altered splicing and may result in an absent or disrupted protein product.

Literature cited by the submitters: PubMed 30424791.

NM_004453.4(ETFDH):c.1285+2T>G

Gene: ETFDH (electron transfer flavoprotein dehydrogenase; plus strand). Cytogenetic location: 4q32.1.
Variant type: single nucleotide variant.
Coding change: c.1285+2T>G on transcript NM_004453.4 (MANE Select); the canonical splice donor site of the intron after coding-DNA position 1285, T replaced by G.
Molecular consequence: splice donor variant.
Genome position (GRCh38, 1-based): chr4:158,703,593, T>G. VCF-style: chr4-158703593-T-G. GRCh37 (hg19) VCF-style: chr4-159624745-T-G.
Other names: c.1144+2T>G (NM_001281737.2); c.1102+2T>G (NM_001281738.1).
Identifiers: ClinVar variation 1072316 (VCV001072316.7), dbSNP rs2126309523, ClinGen allele CA358563130.